The following is an entry in ClinVar:

ClinVar aggregate classification (germline): Uncertain significance (1 of 4 stars; one submission).

Conditions:
Cardiovascular phenotype. Identifiers: MedGen CN230736.

Submission:

Ambry Genetics
Classification: Uncertain significance for Cardiovascular phenotype. Last evaluated: 2025-11-24. Review status: criteria provided, single submitter. Criteria: Ambry Variant Classification Scheme 2023. Collection method: clinical testing. Allele origin: germline.
Comment: The c.335-5C>G intronic variant results from a C to G substitution 5 nucleotides upstream from coding exon 2 in the NKX2-5 gene. This nucleotide position is not well conserved in available vertebrate species. In silico splice site analysis predicts that this alteration will not have any significant effect on splicing. Based on the available evidence, the clinical significance of this variant remains unclear.

NM_004387.4(NKX2-5):c.335-5C>G

Gene: NKX2-5 (NK2 homeobox 5; minus strand). Cytogenetic location: 5q35.1.
Variant type: single nucleotide variant.
Coding change: c.335-5C>G on transcript NM_004387.4 (MANE Select); 5 bases into the intron before coding-DNA position 335, C replaced by G.
Molecular consequence: intron variant. On other transcripts: 3 prime UTR variant (2).
Genome position (GRCh38, 1-based): chr5:173,233,214, G>C on the plus strand (C>G on the coding strand, the complement: NKX2-5 is on the minus strand). VCF-style: chr5-173233214-G-C. GRCh37 (hg19) VCF-style: chr5-172660217-G-C.
Other names: c.*283C>G (NM_001166175.2); c.*129C>G (NM_001166176.2).
Identifiers: ClinVar variation 4614707 (VCV004614707.1).